The following is an entry in ClinVar:

ClinVar aggregate classification (germline): Uncertain significance. Review status: criteria provided, multiple submitters, no conflicts (2 of 4 stars). 2 submissions from 2 submitters: Uncertain significance (2). Last evaluated 2024-12-04.

Conditions:
Hereditary pancreatitis (PCTT). Also called: Hereditary chronic pancreatitis; PRSS1-Related Hereditary Pancreatitis. Identifiers: Orphanet 676, MedGen C0238339, MONDO:0008185, OMIM 167800.

Submissions (2):

Labcorp Genetics (formerly Invitae), Labcorp
Classification: Uncertain significance. Last evaluated: 2024-12-04. Review status: criteria provided, single submitter. Criteria: Invitae Variant Classification Sherloc (09022015). Collection method: clinical testing. Allele origin: germline.
Comment: This sequence change replaces aspartic acid, which is acidic and polar, with asparagine, which is neutral and polar, at codon 224 of the CPA1 protein (p.Asp224Asn). This variant is not present in population databases (gnomAD no frequency). This variant has not been reported in the literature in individuals affected with CPA1-related conditions. ClinVar contains an entry for this variant (Variation ID: 3221845). Invitae Evidence Modeling of protein sequence and biophysical properties (such as structural, functional, and spatial information, amino acid conservation, physicochemical variation, residue mobility, and thermodynamic stability) indicates that this missense variant is expected to disrupt CPA1 protein function with a positive predictive value of 80%. In summary, the available evidence is currently insufficient to determine the role of this variant in disease. Therefore, it has been classified as a Variant of Uncertain Significance.

Ambry Genetics
Classification: Uncertain significance for Hereditary pancreatitis. Last evaluated: 2023-10-22. Review status: criteria provided, single submitter. Criteria: Ambry Variant Classification Scheme 2023. Collection method: clinical testing. Allele origin: germline.
Comment: The p.D224N variant (also known as c.670G>A), located in coding exon 6 of the CPA1 gene, results from a G to A substitution at nucleotide position 670. The aspartic acid at codon 224 is replaced by asparagine, an amino acid with highly similar properties. This amino acid position is conserved. In addition, the in silico prediction for this alteration is inconclusive. Since supporting evidence is limited at this time, the clinical significance of this alteration remains unclear.

NM_001868.4(CPA1):c.670G>A (p.Asp224Asn)

Gene: CPA1 (carboxypeptidase A1; plus strand). Cytogenetic location: 7q32.2.
Variant type: single nucleotide variant.
Coding change: c.670G>A on transcript NM_001868.4 (MANE Select); coding-DNA position 670, G replaced by A.
Protein change: p.Asp224Asn; replaces aspartic acid 224 with asparagine.
Molecular consequence: missense variant.
Genome position (GRCh38, 1-based): chr7:130,383,768, G>A. VCF-style: chr7-130383768-G-A. GRCh37 (hg19) VCF-style: chr7-130023609-G-A.
Other names: short protein forms D224N.
Identifiers: ClinVar variation 3221845 (VCV003221845.3), dbSNP rs2536008897, ClinGen allele CA369282808.
Genomic context (GRCh38, chr7:130,383,768, plus strand): 5'-GCAGCTTTCACCGCCATTCTCGACACCTTGGACATCTTCCTGGAGATCGTCACCAACCCT[G>A]ATGGCTTTGCCTTCACGCACAGCACGGTACCGGCCTTCTCCTGTCCTTGGGGGAAGCAGG-3'
Protein context (NP_001859.1, residues 214-234): DIFLEIVTNP[Asp224Asn]GFAFTHSTNR